The following is an entry in ClinVar:

NM_000260.4(MYO7A):c.4280C>T (p.Thr1427Met)

Gene: MYO7A (myosin VIIA; plus strand). Cytogenetic location: 11q13.5.
Variant type: single nucleotide variant.
Coding change: c.4280C>T on transcript NM_000260.4 (MANE Select); coding-DNA position 4280, C replaced by T.
Protein change: p.Thr1427Met; replaces threonine 1427 with methionine.
Molecular consequence: missense variant.
Genome position (GRCh38, 1-based): chr11:77,194,481, C>T. VCF-style: chr11-77194481-C-T. GRCh37 (hg19) VCF-style: chr11-76905526-C-T.
Other names: c.4280C>T, p.Thr1427Met (NM_001127180.2); c.4247C>T, p.Thr1416Met (NM_001369365.1); short protein forms T1427M, T1416M.
Identifiers: ClinVar variation 306187 (VCV000306187.15), dbSNP rs547006116, ClinGen allele CA6198395.

ClinVar aggregate classification (germline): Uncertain significance. Review status: criteria provided, multiple submitters, no conflicts (2 of 4 stars). 11 submissions from 9 submitters: Uncertain significance (9). 2 of the submissions do not count toward it. Last evaluated 2026-05-19.

Conditions:
Usher syndrome type 1 (USH1). Also called: RETINITIS PIGMENTOSA AND CONGENITAL DEAFNESS. Identifiers: Orphanet 231169, Orphanet 886, MedGen C1568247, MONDO:0010168, OMIM 276900.
Retinal dystrophy. Also called: Inherited retinal dystrophy. Identifiers: HP:0000556, Orphanet 71862, MedGen C0854723, MeSH D058499, MONDO:0019118.
Autosomal recessive nonsyndromic hearing loss 2. Also called: DEAFNESS, AUTOSOMAL RECESSIVE 2; NEUROSENSORY NONSYNDROMIC RECESSIVE DEAFNESS 2. Identifiers: Orphanet 90636, MedGen C1838701, MONDO:0010807, OMIM 600060.
Autosomal dominant nonsyndromic hearing loss 11. Identifiers: Orphanet 90635, MedGen C1832475, MONDO:0011032, OMIM 601317.
MYO7A-related disorder. Also called: MYO7A-related disorders.
Usher syndrome type 1B (USH1B). Also called: Usher syndrome type IB. Identifiers: MedGen C1848638, MONDO:0700087.

Allele frequency attached by ClinVar (database versions not stated): gnomAD exomes 0.00003; gnomAD 0.00004; TOPMed 0.00005; ExAC 0.00006; 1000 Genomes Project 30x 0.00016; 1000 Genomes Project 0.00020.
gnomAD v4.1: 45 of 1,608,490 alleles (0.0028%); highest among the groups gnomAD compares: South Asian, 0.0056%; no homozygotes.

Submissions (11):

Women's Health and Genetics/Laboratory Corporation of America, LabCorp
Classification: Uncertain significance. Last evaluated: 2026-05-19. Review status: criteria provided, single submitter. Criteria: LabCorp Variant Classification Summary - May 2015. Collection method: clinical testing. Allele origin: germline.
Comment: Variant summary: MYO7A c.4280C>T (p.Thr1427Met) results in a non-conservative amino acid change in the encoded protein sequence. Algorithms developed to predict the effect of missense changes on protein structure and function all suggest that this variant is likely to be disruptive. The variant allele was found at a frequency of 3.4e-05 in 238098 control chromosomes. The available data on variant occurrences in the general population are insufficient to allow any conclusion about variant significance. c.4280C>T has been observed in at least one individual affected with hearing loss (example: Chen_2016). This report does not provide unequivocal conclusions about association of the variant with disease. To our knowledge, no experimental evidence demonstrating an impact on protein function has been reported. The following publication has been ascertained in the context of this evaluation (PMID: 27610647). ClinVar contains an entry for this variant (Variation ID: 306187). Based on the evidence outlined above, the variant was classified as uncertain significance.

PreventionGenetics, part of Exact Sciences
Classification: Uncertain significance for MYO7A-related condition. Last evaluated: 2026-01-07. Review status: criteria provided, single submitter. Criteria: ACMG Guidelines, 2015. Collection method: clinical testing. Allele origin: germline.
Comment: The MYO7A c.4280C>T variant is predicted to result in the amino acid substitution p.Thr1427Met. This variant was reported in a large cohort of individuals with hearing loss (supplementary data, Chen et al. 2016. PubMed ID: 27610647). This variant is reported in 0.012% of alleles in individuals of East Asian descent in gnomAD. At this time, the clinical significance of this variant is uncertain due to the absence of conclusive functional and genetic evidence.

Labcorp Genetics (formerly Invitae), Labcorp
Classification: Uncertain significance. Last evaluated: 2022-10-07. Review status: criteria provided, single submitter. Criteria: Invitae Variant Classification Sherloc (09022015). Collection method: clinical testing. Allele origin: germline.
Comment: This sequence change replaces threonine, which is neutral and polar, with methionine, which is neutral and non-polar, at codon 1427 of the MYO7A protein (p.Thr1427Met). This variant is present in population databases (rs547006116, gnomAD 0.01%). This missense change has been observed in individual(s) with hearing loss (PMID: 27610647). ClinVar contains an entry for this variant (Variation ID: 306187). Advanced modeling of protein sequence and biophysical properties (such as structural, functional, and spatial information, amino acid conservation, physicochemical variation, residue mobility, and thermodynamic stability) performed at Invitae indicates that this missense variant is not expected to disrupt MYO7A protein function. In summary, the available evidence is currently insufficient to determine the role of this variant in disease. Therefore, it has been classified as a Variant of Uncertain Significance.

Institute of Human Genetics, Univ. Regensburg, Univ. Regensburg
Classification: Uncertain significance for Retinal dystrophy. Last evaluated: 2022-01-01. Review status: criteria provided, single submitter. Criteria: ACMG Guidelines, 2015. Collection method: clinical testing. Allele origin: germline. Affected: yes.

Knight Diagnostic Laboratories, Oregon Health and Sciences University
Classification: Uncertain significance. Last evaluated: 2019-05-30. Review status: criteria provided, single submitter. Criteria: ACMG Guidelines, 2015. Collection method: clinical testing. Allele origin: germline. Observed: 1 variant allele.

Blueprint Genetics
Classification: Uncertain significance. Last evaluated: 2019-04-18. Review status: criteria provided, single submitter. Criteria: ACMG Guidelines, 2015. Collection method: clinical testing. Allele origin: germline.

Illumina Laboratory Services, Illumina
Classification: Uncertain significance for Autosomal dominant nonsyndromic hearing loss 11. Last evaluated: 2018-01-12. Review status: criteria provided, single submitter. Criteria: ICSL Variant Classification Criteria 13 December 2019. Collection method: clinical testing. Allele origin: germline.

Illumina Laboratory Services, Illumina
Classification: Uncertain significance for Usher syndrome type 1. Last evaluated: 2018-01-12. Review status: criteria provided, single submitter. Criteria: ICSL Variant Classification Criteria 13 December 2019. Collection method: clinical testing. Allele origin: germline.

Illumina Laboratory Services, Illumina
Classification: Uncertain significance for Autosomal recessive nonsyndromic hearing loss 2. Last evaluated: 2018-01-12. Review status: criteria provided, single submitter. Criteria: ICSL Variant Classification Criteria 13 December 2019. Collection method: clinical testing. Allele origin: germline.

Natera, Inc.
Classification: Uncertain significance for Usher syndrome type 1B. Last evaluated: 2020-03-04. Review status: no assertion criteria provided. Collection method: clinical testing. Allele origin: germline. Not counted in ClinVar's aggregate classification.

Counsyl
Classification: Uncertain significance for Usher syndrome type 1; Autosomal recessive nonsyndromic hearing loss 2. Last evaluated: 2018-03-30. Review status: no assertion criteria provided. Collection method: clinical testing. Allele origin: unknown. Not counted in ClinVar's aggregate classification.

Literature cited by the submitters: PubMed 27610647 (cited by 4 submitters); PubMed 3442652 (cited by Institute of Human Genetics, Univ. Regensburg, Univ. Regensburg).